The following is an entry in ClinVar:

ClinVar aggregate classification (germline): Uncertain significance (1 of 4 stars; one submission).

gnomAD v4.1: 1 of 1,612,500 alleles (0.000062%); highest among the groups gnomAD compares: Non-Finnish European, 0.000085%; no homozygotes.

Submission:

Labcorp Genetics (formerly Invitae), Labcorp
Classification: Uncertain significance. Last evaluated: 2025-11-23. Review status: criteria provided, single submitter. Criteria: Invitae Variant Classification Sherloc (09022015). Collection method: clinical testing. Allele origin: germline.
Comment: This sequence change replaces leucine, which is neutral and non-polar, with proline, which is neutral and non-polar, at codon 449 of the TCIRG1 protein (p.Leu449Pro). This variant is present in population databases (no rsID available, gnomAD 0.0009%). This variant has not been reported in the literature in individuals affected with TCIRG1-related conditions. Invitae Evidence Modeling of protein sequence and biophysical properties (such as structural, functional, and spatial information, amino acid conservation, physicochemical variation, residue mobility, and thermodynamic stability) indicates that this missense variant is expected to disrupt TCIRG1 protein function with a positive predictive value of 80%. In summary, the available evidence is currently insufficient to determine the role of this variant in disease. Therefore, it has been classified as a Variant of Uncertain Significance.

NM_006019.4(TCIRG1):c.1346T>C (p.Leu449Pro)

Gene: TCIRG1 (T cell immune regulator 1, ATPase H+ transporting V0 subunit a3; plus strand). Cytogenetic location: 11q13.2.
Variant type: single nucleotide variant.
Coding change: c.1346T>C on transcript NM_006019.4 (MANE Select); coding-DNA position 1346, T replaced by C.
Protein change: p.Leu449Pro; replaces leucine 449 with proline.
Molecular consequence: missense variant. On other transcripts: intron variant (2).
Genome position (GRCh38, 1-based): chr11:68,047,687, T>C. VCF-style: chr11-68047687-T-C. GRCh37 (hg19) VCF-style: chr11-67815154-T-C.
Other names: c.1304T>C, p.Leu435Pro (NM_001440555.1, NM_001440556.1, NM_001440563.1); c.1346T>C, p.Leu449Pro (NM_001440557.1, NM_001440558.1, NM_001440552.1 and 2 more transcripts); c.1133T>C, p.Leu378Pro (NM_001440559.1, NM_001440560.1, NM_001440561.1 and 2 more transcripts); c.1091T>C, p.Leu364Pro (NM_001440564.1); c.452T>C, p.Leu151Pro (NM_001351059.2); c.1046T>C, p.Leu349Pro (NM_001440565.1); c.878T>C, p.Leu293Pro (NM_001440568.1); c.698T>C, p.Leu233Pro (NM_006053.4); and 2 more; short protein forms L233P, L293P, L449P, L151P, L349P, L378P, L435P, L364P.
Identifiers: ClinVar variation 4765737 (VCV004765737.1).
Genomic context (GRCh38, chr11:68,047,687, plus strand): 5'-CCACACCACTGCCCCCCCAGATCTGGCAGACTTTCTTCAGGGGCCGCTACCTGCTCCTGC[T>C]TATGGGCCTGTTCTCCATCTACACCGGCTTCATCTACAACGAGTGCTTCAGTCGCGCCAC-3'
Protein context (NP_006010.2, residues 439-459): TFFRGRYLLL[Leu449Pro]MGLFSIYTGF